The following is an entry in ClinVar:

NM_001164508.2(NEB):c.-128T>G

Gene: NEB (nebulin; minus strand). Cytogenetic location: 2q23.3.
Variant type: single nucleotide variant.
Coding change: c.-128T>G on transcript NM_001164508.2 (MANE Select); 128 bases upstream of the start codon, T replaced by G.
Molecular consequence: 5 prime UTR variant.
Genome position (GRCh38, 1-based): chr2:151,734,412, A>C on the plus strand (T>G on the coding strand, the complement: NEB is on the minus strand). VCF-style: chr2-151734412-A-C. GRCh37 (hg19) VCF-style: chr2-152590926-A-C.
Other names: c.-128T>G (NM_001164507.2, NM_001271208.2, NM_004543.5).
Identifiers: ClinVar variation 681565 (VCV000681565.1), dbSNP rs771789347, ClinGen allele CA57657101.

ClinVar aggregate classification (germline): Likely benign (1 of 4 stars; one submission).

Allele frequency attached by ClinVar (database versions not stated): TOPMed 0.00001.

Submission:

GeneDx
Classification: Likely benign. Last evaluated: 2018-04-09. Review status: criteria provided, single submitter. Criteria: GeneDx Variant Classification (06012015). Collection method: clinical testing. Allele origin: germline. Affected: yes.
Comment: This variant is considered likely benign or benign based on one or more of the following criteria: it is a conservative change, it occurs at a poorly conserved position in the protein, it is predicted to be benign by multiple in silico algorithms, and/or has population frequency not consistent with disease.